The following is an entry in ClinVar:

NM_025243.4(SLC19A3):c.-60C>T

Gene: SLC19A3 (solute carrier family 19 member 3; minus strand). Cytogenetic location: 2q36.3.
Variant type: single nucleotide variant.
Coding change: c.-60C>T on transcript NM_025243.4 (MANE Select); 60 bases upstream of the start codon, C replaced by T.
Molecular consequence: 5 prime UTR variant.
Genome position (GRCh38, 1-based): chr2:227,718,000, G>A on the plus strand (C>T on the coding strand, the complement: SLC19A3 is on the minus strand). VCF-style: chr2-227718000-G-A. GRCh37 (hg19) VCF-style: chr2-228582716-G-A.
Identifiers: ClinVar variation 334885 (VCV000334885.5), dbSNP rs372251558, ClinGen allele CA10614514.

ClinVar aggregate classification (germline): Likely benign (1 of 4 stars; one submission).

Conditions:
Biotin-responsive basal ganglia disease (BTBGD). Also called: Thiamine Transporter-2 Deficiency; THIAMINE METABOLISM DYSFUNCTION SYNDROME 2 (BIOTIN- AND THIAMINE-RESPONSIVE TYPE); Thiamine metabolism dysfunction syndrome type 2; Thiamine metabolism dysfunction syndrome 2 (biotin- or thiamine-responsive encephalopathy type 2); thiamine-responsive encephalopathy. Identifiers: Orphanet 199348, Orphanet 65284, MedGen C1843807, MONDO:0011841, OMIM 607483.

Allele frequency attached by ClinVar (database versions not stated): gnomAD exomes 0.00002; gnomAD 0.00005 and 0.00013; TOPMed 0.00007; 1000 Genomes Project 0.00060; 1000 Genomes Project 30x 0.00094.
gnomAD v4.1: 50 of 985,134 alleles (0.0051%); highest among the groups gnomAD compares: East Asian, 0.24%; 1 homozygote.

Submission:

Illumina Laboratory Services, Illumina
Classification: Likely benign for Biotin-responsive basal ganglia disease. Last evaluated: 2018-01-13. Review status: criteria provided, single submitter. Criteria: ICSL Variant Classification Criteria 13 December 2019. Collection method: clinical testing. Allele origin: germline.
Comment: This variant was observed in the ICSL laboratory as part of a predisposition screen in an ostensibly healthy population. It had not been previously curated by ICSL or reported in the Human Gene Mutation Database (HGMD: prior to June 1st, 2018), and was therefore a candidate for classification through an automated scoring system. Utilizing variant allele frequency, disease prevalence and penetrance estimates, and inheritance mode, an automated score was calculated to assess if this variant is too frequent to cause the disease. Based on the score and internal cut-off values, a variant classified as likely benign is not then subjected to further curation. The score for this variant resulted in a classification of likely benign for this disease.